The following is an entry in ClinVar:

ClinVar aggregate classification (germline): Uncertain significance (1 of 4 stars; one submission).

Conditions:
Inflammatory bowel disease 28. Also called: Inflammatory bowel disease 28, early onset, autosomal recessive. Identifiers: Orphanet 238569, MedGen C2751053, MONDO:0013153, OMIM 613148.

Allele frequency attached by ClinVar (database versions not stated): TOPMed below 0.00001; gnomAD 0.00001.

Submission:

Labcorp Genetics (formerly Invitae), Labcorp
Classification: Uncertain significance for Inflammatory bowel disease 28. Last evaluated: 2020-03-16. Review status: criteria provided, single submitter. Criteria: Invitae Variant Classification Sherloc (09022015). Collection method: clinical testing. Allele origin: germline.
Comment: This sequence change replaces histidine with tyrosine at codon 92 of the IL10RA protein (p.His92Tyr). The histidine residue is weakly conserved and there is a moderate physicochemical difference between histidine and tyrosine. This variant is not present in population databases (ExAC no frequency). This variant has not been reported in the literature in individuals with IL10RA-related conditions. Algorithms developed to predict the effect of missense changes on protein structure and function are either unavailable or do not agree on the potential impact of this missense change (SIFT: "Tolerated"; PolyPhen-2: "Possibly Damaging"; Align-GVGD: "Class C0"). In summary, the available evidence is currently insufficient to determine the role of this variant in disease. Therefore, it has been classified as a Variant of Uncertain Significance.

NM_001558.4(IL10RA):c.274C>T (p.His92Tyr)

Gene: IL10RA (interleukin 10 receptor subunit alpha; plus strand). Cytogenetic location: 11q23.3.
Variant type: single nucleotide variant.
Coding change: c.274C>T on transcript NM_001558.4 (MANE Select); coding-DNA position 274, C replaced by T.
Protein change: p.His92Tyr; replaces histidine 92 with tyrosine.
Molecular consequence: missense variant. On other transcripts: non-coding transcript variant (1).
Genome position (GRCh38, 1-based): chr11:117,989,527, C>T. VCF-style: chr11-117989527-C-T. GRCh37 (hg19) VCF-style: chr11-117860242-C-T.
Other names: short protein forms H92Y.
Identifiers: ClinVar variation 1003277 (VCV001003277.8), dbSNP rs1333934613, ClinGen allele CA382773374.